The following is an entry in ClinVar:

NM_000245.4(MET):c.*1244G>A

Gene: MET (MET proto-oncogene, receptor tyrosine kinase; plus strand). Cytogenetic location: 7q31.2.
Variant type: single nucleotide variant.
Coding change: c.*1244G>A on transcript NM_000245.4 (MANE Select); 1244 bases downstream of the stop codon, G replaced by A.
Molecular consequence: 3 prime UTR variant.
Genome position (GRCh38, 1-based): chr7:116,797,368, G>A. VCF-style: chr7-116797368-G-A. GRCh37 (hg19) VCF-style: chr7-116437422-G-A.
Other names: c.*1244G>A (NM_001127500.3, NM_001324402.2).
Identifiers: ClinVar variation 908121 (VCV000908121.4), dbSNP rs144559852, ClinGen allele CA165451170.

ClinVar aggregate classification (germline): Benign (1 of 4 stars; one submission).

Conditions:
Papillary renal cell carcinoma type 1 (RCCP1). Also called: RENAL CELL CARCINOMA, PAPILLARY, 1, SOMATIC; Renal adenocarcinoma; Renal cell carcinoma 1; Renal cell carcinoma, somatic. Identifiers: Orphanet 47044, MedGen C1336839, OMIM 605074, HP:0011797.

Allele frequency attached by ClinVar (database versions not stated): TOPMed 0.00018; 1000 Genomes Project 30x 0.00297; 1000 Genomes Project 0.00300.
gnomAD v4.1: 146 of 225,386 alleles (0.065%); highest among the groups gnomAD compares: South Asian, 0.69%; 2 homozygotes.

Submission:

Illumina Laboratory Services, Illumina
Classification: Benign for Papillary renal cell carcinoma type 1. Last evaluated: 2018-01-12. Review status: criteria provided, single submitter. Criteria: ICSL Variant Classification Criteria 13 December 2019. Collection method: clinical testing. Allele origin: germline.
Comment: This variant was observed in the ICSL laboratory as part of a predisposition screen in an ostensibly healthy population. It had not been previously curated by ICSL or reported in the Human Gene Mutation Database (HGMD: prior to June 1st, 2018), and was therefore a candidate for classification through an automated scoring system. Utilizing variant allele frequency, disease prevalence and penetrance estimates, and inheritance mode, an automated score was calculated to assess if this variant is too frequent to cause the disease. Based on the score and internal cut-off values, a variant classified as benign is not then subjected to further curation. The score for this variant resulted in a classification of benign for this disease.